The following is an entry in ClinVar:

NM_053025.4(MYLK):c.5545A>G (p.Ile1849Val)

Genes: MYLK (myosin light chain kinase; minus strand), MYLK-AS1 (MYLK antisense RNA 1; plus strand). Cytogenetic location: 3q21.1.
Variant type: single nucleotide variant.
Coding change: c.5545A>G on transcript NM_053025.4 (MANE Select); coding-DNA position 5545, A replaced by G.
Protein change: p.Ile1849Val; replaces isoleucine 1849 with valine.
Molecular consequence: missense variant.
Genome position (GRCh38, 1-based): chr3:123,614,305, T>C on the plus strand (A>G on the coding strand, the complement: MYLK is on the minus strand). VCF-style: chr3-123614305-T-C. GRCh37 (hg19) VCF-style: chr3-123333152-T-C.
Other names: c.5017A>G, p.Ile1673Val (NM_001321309.2); c.5338A>G, p.Ile1780Val (NM_053026.4); c.5392A>G, p.Ile1798Val (NM_053027.4); c.5185A>G, p.Ile1729Val (NM_053028.4); c.262A>G, p.Ile88Val (NM_053031.4); c.265A>G, p.Ile89Val (NM_053032.4); short protein forms I1673V, I1849V, I89V, I1798V, I88V, I1729V, I1780V.
Identifiers: ClinVar variation 1474183 (VCV001474183.8), dbSNP rs1177273925, ClinGen allele CA354229417.
Genomic context (GRCh38, chr3:123,614,305, plus strand): 5'-TAATTAAAGAGCAGTTCCCGTCCTCATCGTAGTCTATCTGGAAGTGGCGGGACTCCCTGA[T>C]TGACTGGTCATCTTTGAACCAGACAACCTCGGGGTCTGGGTATCCTGCATCACAGGGAGA-3'
Protein context (NP_444253.3, residues 1839-1859): EVVWFKDDQS[Ile1849Val]RESRHFQIDY

ClinVar aggregate classification (germline): Uncertain significance. Review status: criteria provided, multiple submitters, no conflicts (2 of 4 stars). 3 submissions from 3 submitters: Uncertain significance (3). Last evaluated 2025-09-08.

Conditions:
Aortic aneurysm, familial thoracic 7 (AAT7). Also called: AORTIC DISSECTION, FAMILIAL, WITH OR WITHOUT AORTIC ANEURYSM. Identifiers: MedGen C3151077, MONDO:0013418, OMIM 613780.
Familial thoracic aortic aneurysm and aortic dissection (TAAD). Also called: Thoracic aortic aneurysms and dissections. Identifiers: Orphanet 91387, MedGen C4707243, MONDO:0019625.

Allele frequency attached by ClinVar (database versions not stated): gnomAD exomes below 0.00001; TOPMed 0.00001; gnomAD 0.00002.
gnomAD v4.1: 6 of 1,614,054 alleles (0.00037%); highest among the groups gnomAD compares: African/African-American, 0.0067%; no homozygotes.

Submissions (3):

Women's Health and Genetics/Laboratory Corporation of America, LabCorp
Classification: Uncertain significance. Last evaluated: 2025-09-08. Review status: criteria provided, single submitter. Criteria: LabCorp Variant Classification Summary - May 2015. Collection method: clinical testing. Allele origin: germline.
Comment: Variant summary: MYLK c.5545A>G (p.Ile1849Val) results in a conservative amino acid change in the encoded protein sequence. Algorithms developed to predict the effect of missense changes on protein structure and function are either unavailable or do not agree on the potential impact of this missense change. The variant allele was found at a frequency of 4e-06 in 251222 control chromosomes. The available data on variant occurrences in the general population are insufficient to allow any conclusion about variant significance. To our knowledge, no occurrence of c.5545A>G in individuals affected with MYLK-related conditions and no experimental evidence demonstrating its impact on protein function have been reported. ClinVar contains an entry for this variant (Variation ID: 1474183). Based on the evidence outlined above, the variant was classified as uncertain significance.

Labcorp Genetics (formerly Invitae), Labcorp
Classification: Uncertain significance for Aortic aneurysm, familial thoracic 7. Last evaluated: 2022-06-03. Review status: criteria provided, single submitter. Criteria: Invitae Variant Classification Sherloc (09022015). Collection method: clinical testing. Allele origin: germline.
Comment: This sequence change replaces isoleucine, which is neutral and non-polar, with valine, which is neutral and non-polar, at codon 1849 of the MYLK protein (p.Ile1849Val). This variant is present in population databases (no rsID available, gnomAD 0.007%). This variant has not been reported in the literature in individuals affected with MYLK-related conditions. ClinVar contains an entry for this variant (Variation ID: 1474183). Algorithms developed to predict the effect of missense changes on protein structure and function are either unavailable or do not agree on the potential impact of this missense change (SIFT: "Deleterious"; PolyPhen-2: "Probably Damaging"; Align-GVGD: "Class C0"). In summary, the available evidence is currently insufficient to determine the role of this variant in disease. Therefore, it has been classified as a Variant of Uncertain Significance.

Ambry Genetics
Classification: Uncertain significance for Familial thoracic aortic aneurysm and aortic dissection. Last evaluated: 2021-11-24. Review status: criteria provided, single submitter. Criteria: Ambry Variant Classification Scheme 2023. Collection method: clinical testing. Allele origin: germline.
Comment: The p.I1849V variant (also known as c.5545A>G), located in coding exon 31 of the MYLK gene, results from an A to G substitution at nucleotide position 5545. The isoleucine at codon 1849 is replaced by valine, an amino acid with highly similar properties. This amino acid position is conserved. In addition, this alteration is predicted to be tolerated by in silico analysis. Since supporting evidence is limited at this time, the clinical significance of this alteration remains unclear.